The following is an entry in ClinVar:

NM_000541.5(SAG):c.232G>T (p.Val78Leu)

Gene: SAG (S-antigen visual arrestin; plus strand). Cytogenetic location: 2q37.1.
Variant type: single nucleotide variant.
Coding change: c.232G>T on transcript NM_000541.5 (MANE Select); coding-DNA position 232, G replaced by T.
Protein change: p.Val78Leu; replaces valine 78 with leucine.
Molecular consequence: missense variant.
Genome position (GRCh38, 1-based): chr2:233,320,680, G>T. VCF-style: chr2-233320680-G-T. GRCh37 (hg19) VCF-style: chr2-234229326-G-T.
Other names: c.232G>T (NM_000541.4); short protein forms V78L.
Identifiers: ClinVar variation 2968632 (VCV002968632.5), dbSNP rs760031511, ClinGen allele CA2174311.

ClinVar aggregate classification (germline): Uncertain significance. Review status: criteria provided, multiple submitters, no conflicts (2 of 4 stars). 3 submissions from 3 submitters: Uncertain significance (3). Last evaluated 2024-12-10.

Conditions:
Inborn genetic diseases. Identifiers: MedGen C0950123, MeSH D030342.

gnomAD v4.1: 48 of 1,607,114 alleles (0.003%); highest among the groups gnomAD compares: Non-Finnish European, 0.0039%; no homozygotes.

Submissions (3):

Labcorp Genetics (formerly Invitae), Labcorp
Classification: Uncertain significance. Last evaluated: 2024-12-10. Review status: criteria provided, single submitter. Criteria: Invitae Variant Classification Sherloc (09022015). Collection method: clinical testing. Allele origin: germline.
Comment: This sequence change replaces valine, which is neutral and non-polar, with leucine, which is neutral and non-polar, at codon 78 of the SAG protein (p.Val78Leu). This variant is present in population databases (rs760031511, gnomAD 0.006%). This variant has not been reported in the literature in individuals affected with SAG-related conditions. ClinVar contains an entry for this variant (Variation ID: 2968632). Invitae Evidence Modeling of protein sequence and biophysical properties (such as structural, functional, and spatial information, amino acid conservation, physicochemical variation, residue mobility, and thermodynamic stability) indicates that this missense variant is not expected to disrupt SAG protein function with a negative predictive value of 80%. In summary, the available evidence is currently insufficient to determine the role of this variant in disease. Therefore, it has been classified as a Variant of Uncertain Significance.

Ambry Genetics
Classification: Uncertain significance for Inborn genetic diseases. Last evaluated: 2024-11-25. Review status: criteria provided, single submitter. Criteria: Ambry Variant Classification Scheme 2023. Collection method: clinical testing. Allele origin: germline.

Blueprint Genetics
Classification: Uncertain significance. Last evaluated: 2020-10-02. Review status: criteria provided, single submitter. Criteria: ACMG Guidelines, 2015. Collection method: clinical testing. Allele origin: germline.